The following is an entry in ClinVar:

NM_000543.5(SMPD1):c.1268A>G (p.His423Arg)

Gene: SMPD1 (sphingomyelin phosphodiesterase 1; plus strand). Cytogenetic location: 11p15.4.
Variant type: single nucleotide variant.
Coding change: c.1268A>G on transcript NM_000543.5 (MANE Select); coding-DNA position 1268, A replaced by G.
Protein change: p.His423Arg; replaces histidine 423 with arginine.
Molecular consequence: missense variant. On other transcripts: non-coding transcript variant (2).
Genome position (GRCh38, 1-based): chr11:6,393,621, A>G. VCF-style: chr11-6393621-A-G. GRCh37 (hg19) VCF-style: chr11-6414851-A-G.
Other names: c.1268A>G (NM_000543.4); c.1265A>G, p.His422Arg (NM_001007593.3); c.1268A>G, p.His423Arg (NM_001318087.2); c.347A>G, p.His116Arg (NM_001318088.2); c.1136A>G, p.His379Arg (NM_001365135.2); short protein forms H116R, H422R, H423R, H379R.
Identifiers: ClinVar variation 2136989 (VCV002136989.7), dbSNP rs767492080, ClinGen allele CA5852844.

ClinVar aggregate classification (germline): Pathogenic/Likely pathogenic. Review status: criteria provided, multiple submitters, no conflicts (2 of 4 stars). 4 submissions from 4 submitters: Pathogenic (1); Likely pathogenic (3). Last evaluated 2025-02-20.

Conditions:
Sphingomyelin/cholesterol lipidosis. Also called: Niemann-Pick disease. Identifiers: MedGen C0028064, MONDO:0001982.
Niemann-Pick disease, type A. Also called: SPHINGOMYELIN LIPIDOSIS; SPHINGOMYELINASE DEFICIENCY; Infantile Neurovisceral ASMD (Niemann-Pick Disease Type A; NPD-A). Identifiers: Orphanet 77292, MedGen C0268242, MONDO:0009756, OMIM 257200. Disease mechanism: loss of function.
Niemann-Pick disease, type B. Also called: Chronic Visceral ASMD (Niemann-Pick Disease Type B; NPD-B). Identifiers: Orphanet 77293, MedGen C0268243, MONDO:0011871, OMIM 607616. Disease mechanism: loss of function.

Allele frequency attached by ClinVar (database versions not stated): gnomAD exomes below 0.00001; TOPMed below 0.00001; ExAC 0.00001; gnomAD 0.00001.
gnomAD v4.1: 2 of 1,612,754 alleles (0.00012%); highest among the groups gnomAD compares: Non-Finnish European, 0.00017%; no homozygotes.

Submissions (4):

Natera, Inc.
Classification: Likely pathogenic for Niemann-Pick Disease, Types A/B. Last evaluated: 2025-02-20. Review status: criteria provided, single submitter. Criteria: Natera Variant Classification Schema (03/2026). Collection method: clinical testing. Allele origin: germline.
Comment: The c.1268A>G variant in SMPD1 is a missense variant predicted to cause substitution of histidine to arginine at amino acid 423. This variant is rare in the general population with a frequency below the threshold expected for the associated phenotype(s). This variant has been observed in one or more individuals affected with the associated recessive disease, as either homozygous or compound heterozygous with a second variant (PMID: 19405096, 16434659). A different variant at the same position has been determined to be Pathogenic or Likely Pathogenic. Computational prediction algorithms indicate this variant is likely to affect gene or protein function. Given the available evidence, this variant is classified as Likely Pathogenic.

Fulgent Genetics
Classification: Likely pathogenic for Niemann-Pick disease, type A; Niemann-Pick disease, type B. Last evaluated: 2024-05-16. Review status: criteria provided, single submitter. Criteria: ACMG Guidelines, 2015. Collection method: clinical testing. Allele origin: germline.

Labcorp Genetics (formerly Invitae), Labcorp
Classification: Pathogenic for Niemann-Pick disease, type B; Niemann-Pick disease, type A. Last evaluated: 2023-12-20. Review status: criteria provided, single submitter. Criteria: Invitae Variant Classification Sherloc (09022015). Collection method: clinical testing. Allele origin: germline.
Comment: This sequence change replaces histidine, which is basic and polar, with arginine, which is basic and polar, at codon 423 of the SMPD1 protein (p.His423Arg). This variant is present in population databases (rs767492080, gnomAD 0.0009%). This missense change has been observed in individual(s) with Niemann-Pick A disease (PMID: 16434659, 19405096). This variant is also known as H421R. ClinVar contains an entry for this variant (Variation ID: 2136989). Advanced modeling of protein sequence and biophysical properties (such as structural, functional, and spatial information, amino acid conservation, physicochemical variation, residue mobility, and thermodynamic stability) performed at Invitae indicates that this missense variant is expected to disrupt SMPD1 protein function with a positive predictive value of 95%. This variant disrupts the p.His423 amino acid residue in SMPD1. Other variant(s) that disrupt this residue have been determined to be pathogenic (PMID: 12369017, 17876723, 27338287, 28600779). This suggests that this residue is clinically significant, and that variants that disrupt this residue are likely to be disease-causing. For these reasons, this variant has been classified as Pathogenic.

Women's Health and Genetics/Laboratory Corporation of America, LabCorp
Classification: Likely pathogenic for Sphingomyelin/cholesterol lipidosis. Last evaluated: 2023-08-03. Review status: criteria provided, single submitter. Criteria: LabCorp Variant Classification Summary - May 2015. Collection method: clinical testing. Allele origin: germline.
Comment: Variant summary: SMPD1 c.1268A>G (p.His423Arg, it was also known as p.His421Arg in the literature) results in a non-conservative amino acid change located in the Calcineurin-like phosphoesterase domain, ApaH type domain (IPR004843) of the encoded protein sequence. Four of four in-silico tools predict a damaging effect of the variant on protein function. The variant allele was found at a frequency of 4e-06 in 249054 control chromosomes (gnomAD). c.1268A>G has been reported in the literature in compound heterozygous individuals affected with Niemann-Pick Disease (McGovern_2006, Rodrguez-Pascau_2009, Aykut_2013). These data indicate that the variant may be associated with disease. To our knowledge, no experimental evidence demonstrating an impact on protein function has been reported. In addition, another missense at the same codon, H423Y, has been classified as pathogenic in our lab. The following publications have been ascertained in the context of this evaluation (PMID: 23618813, 16434659, 19405096, 27725636). One submitter has cited clinical-significance assessments for this variant to ClinVar after 2014 and has classified the variant as pathogenic. Based on the evidence outlined above, the variant was classified as likely pathogenic.

Literature cited by the submitters: PubMed 19405096 (cited by 3 submitters); PubMed 16434659 (cited by 3 submitters); PubMed 12369017 (cited by Labcorp Genetics (formerly Invitae), Labcorp); PubMed 17876723 (cited by Labcorp Genetics (formerly Invitae), Labcorp); PubMed 27338287 (cited by Labcorp Genetics (formerly Invitae), Labcorp); PubMed 28600779 (cited by Labcorp Genetics (formerly Invitae), Labcorp); PubMed 27725636 (cited by Women's Health and Genetics/Laboratory Corporation of America, LabCorp); PubMed 23618813 (cited by Women's Health and Genetics/Laboratory Corporation of America, LabCorp).